The following is an entry in ClinVar:

NM_001369268.1(ACAN):c.6013A>G (p.Ser2005Gly)

Gene: ACAN (aggrecan; plus strand). Cytogenetic location: 15q26.1.
Variant type: single nucleotide variant.
Coding change: c.6013A>G on transcript NM_001369268.1 (MANE Select); coding-DNA position 6013, A replaced by G.
Protein change: p.Ser2005Gly; replaces serine 2005 with glycine.
Molecular consequence: missense variant.
Genome position (GRCh38, 1-based): chr15:88,858,598, A>G. VCF-style: chr15-88858598-A-G. GRCh37 (hg19) VCF-style: chr15-89401829-A-G.
Other names: c.6013A>G, p.Ser2005Gly (NM_001135.4, NM_001411096.1, NM_001411097.1 and 1 more transcripts); short protein forms S2005G.
Identifiers: ClinVar variation 2351486 (VCV002351486.3), dbSNP rs199709827, ClinGen allele CA7720324.
Genomic context (GRCh38, chr15:88,858,598, plus strand): 5'-AGTGGGCTGCAGTCCGGGCTGATAGAGCCCAGCGGAGAGCCACCAGGTACTCCATATTTT[A>G]GTGGGGATTTTGCCAGCACCACCAATGTAAGTGGAGAATCCTCTGTAGCCATGGGCACCA-3'
Protein context (NP_001356197.1, residues 1995-2015): SGEPPGTPYF[Ser2005Gly]GDFASTTNVS

ClinVar aggregate classification (germline): Uncertain significance. Review status: criteria provided, multiple submitters, no conflicts (2 of 4 stars). 2 submissions from 2 submitters: Uncertain significance (2). Last evaluated 2025-05-02.

Conditions:
Inborn genetic diseases. Identifiers: MedGen C0950123, MeSH D030342.

Allele frequency attached by ClinVar (database versions not stated): gnomAD exomes 0.00005; ExAC 0.00021; ESP Exome Variant Server 0.00042; gnomAD 0.00042; TOPMed 0.00056; 1000 Genomes Project 0.00080; 1000 Genomes Project 30x 0.00109.
gnomAD v4.1: 150 of 1,613,852 alleles (0.0093%); highest among the groups gnomAD compares: African/African-American, 0.13%; no homozygotes.

Submissions (2):

Women's Health and Genetics/Laboratory Corporation of America, LabCorp
Classification: Uncertain significance. Last evaluated: 2025-05-02. Review status: criteria provided, single submitter. Criteria: LabCorp Variant Classification Summary - May 2015. Collection method: clinical testing. Allele origin: germline.
Comment: Variant summary: ACAN c.6013A>G (p.Ser2005Gly) results in a non-conservative amino acid change in the encoded protein sequence. Algorithms developed to predict the effect of missense changes on protein structure and function are either unavailable or do not agree on the potential impact of this missense change. The variant allele was found at a frequency of 0.0002 in 249174 control chromosomes. This frequency is not significantly higher than estimated for a pathogenic variant in ACAN causing ACAN-Related Disorders, allowing no conclusion about variant significance. To our knowledge, no occurrence of c.6013A>G in individuals affected with ACAN-Related Disorders and no experimental evidence demonstrating its impact on protein function have been reported. ClinVar contains an entry for this variant (Variation ID: 2351486). Based on the evidence outlined above, the variant was classified as uncertain significance.

Ambry Genetics
Classification: Uncertain significance for Inborn genetic diseases. Last evaluated: 2021-07-20. Review status: criteria provided, single submitter. Criteria: Ambry Variant Classification Scheme 2023. Collection method: clinical testing. Allele origin: germline.